The following is an entry in ClinVar:

NM_004369.4(COL6A3):c.2036G>A (p.Gly679Asp)

Gene: COL6A3 (collagen type VI alpha 3 chain; minus strand). Cytogenetic location: 2q37.3.
Variant type: single nucleotide variant.
Coding change: c.2036G>A on transcript NM_004369.4 (MANE Select); coding-DNA position 2036, G replaced by A.
Protein change: p.Gly679Asp; replaces glycine 679 with aspartic acid.
Molecular consequence: missense variant. On other transcripts: intron variant (1).
Genome position (GRCh38, 1-based): chr2:237,379,097, C>T on the plus strand (G>A on the coding strand, the complement: COL6A3 is on the minus strand). VCF-style: chr2-237379097-C-T. GRCh37 (hg19) VCF-style: chr2-238287740-C-T.
Other names: c.815G>A, p.Gly272Asp (NM_057164.5); c.1418G>A, p.Gly473Asp (NM_057165.5, NM_057167.4); c.677-1753G>A (NM_057166.5); short protein forms G272D, G473D, G679D.
Identifiers: ClinVar variation 1438403 (VCV001438403.6), dbSNP rs1325552568, ClinGen allele CA351214855.

ClinVar aggregate classification (germline): Uncertain significance (1 of 4 stars; one submission).

Conditions:
Bethlem myopathy 1A. Also called: MYOPATHY, BENIGN CONGENITAL, WITH CONTRACTURES; Bethlem Muscular Dystrophy; Bethlem myopathy 1. Identifiers: Orphanet 610, MedGen CN029274, MONDO:0024530, OMIM 158810.

Allele frequency attached by ClinVar (database versions not stated): gnomAD exomes below 0.00001.

Submission:

Labcorp Genetics (formerly Invitae), Labcorp
Classification: Uncertain significance for Bethlem myopathy 1A. Last evaluated: 2024-01-15. Review status: criteria provided, single submitter. Criteria: Invitae Variant Classification Sherloc (09022015). Collection method: clinical testing. Allele origin: germline.
Comment: This sequence change replaces glycine, which is neutral and non-polar, with aspartic acid, which is acidic and polar, at codon 679 of the COL6A3 protein (p.Gly679Asp). This variant is present in population databases (no rsID available, gnomAD 0.003%). This variant has not been reported in the literature in individuals affected with COL6A3-related conditions. ClinVar contains an entry for this variant (Variation ID: 1438403). Advanced modeling of protein sequence and biophysical properties (such as structural, functional, and spatial information, amino acid conservation, physicochemical variation, residue mobility, and thermodynamic stability) has been performed at Invitae for this missense variant, however the output from this modeling did not meet the statistical confidence thresholds required to predict the impact of this variant on COL6A3 protein function. In summary, the available evidence is currently insufficient to determine the role of this variant in disease. Therefore, it has been classified as a Variant of Uncertain Significance.